The following is an entry in ClinVar:

ClinVar aggregate classification (germline): Uncertain significance (1 of 4 stars; one submission).

Conditions:
Mucopolysaccharidosis type 6 (MPS6). Also called: MPS VI; N-ACETYLGALACTOSAMINE-4-SULFATASE DEFICIENCY; ARSB DEFICIENCY; ARYLSULFATASE B DEFICIENCY; MPS 6; Maroteaux Lamy syndrome. Identifiers: Orphanet 583, MedGen C0026709, MONDO:0009661, OMIM 253200.

Allele frequency attached by ClinVar (database versions not stated): ExAC 0.00002; TOPMed 0.00002; gnomAD exomes 0.00003; ESP Exome Variant Server 0.00008.
gnomAD v4.1: 12 of 1,614,124 alleles (0.00074%); highest among the groups gnomAD compares: Admixed American, 0.0017%; no homozygotes.

Submission:

Labcorp Genetics (formerly Invitae), Labcorp
Classification: Uncertain significance for Mucopolysaccharidosis type 6. Last evaluated: 2022-07-06. Review status: criteria provided, single submitter. Criteria: Invitae Variant Classification Sherloc (09022015). Collection method: clinical testing. Allele origin: germline.
Comment: This sequence change replaces lysine, which is basic and polar, with arginine, which is basic and polar, at codon 134 of the ARSB protein (p.Lys134Arg). This variant is present in population databases (rs371631385, gnomAD 0.01%). This variant has not been reported in the literature in individuals affected with ARSB-related conditions. ClinVar contains an entry for this variant (Variation ID: 1436538). Advanced modeling of protein sequence and biophysical properties (such as structural, functional, and spatial information, amino acid conservation, physicochemical variation, residue mobility, and thermodynamic stability) performed at Invitae indicates that this missense variant is not expected to disrupt ARSB protein function. In summary, the available evidence is currently insufficient to determine the role of this variant in disease. Therefore, it has been classified as a Variant of Uncertain Significance.

NM_000046.5(ARSB):c.401A>G (p.Lys134Arg)

Gene: ARSB (arylsulfatase B; minus strand). Cytogenetic location: 5q14.1.
Variant type: single nucleotide variant.
Coding change: c.401A>G on transcript NM_000046.5 (MANE Select); coding-DNA position 401, A replaced by G.
Protein change: p.Lys134Arg; replaces lysine 134 with arginine.
Molecular consequence: missense variant.
Genome position (GRCh38, 1-based): chr5:78,969,104, T>C on the plus strand (A>G on the coding strand, the complement: ARSB is on the minus strand). VCF-style: chr5-78969104-T-C. GRCh37 (hg19) VCF-style: chr5-78264927-T-C.
Other names: c.401A>G, p.Lys134Arg (NM_198709.3); short protein forms K134R.
Identifiers: ClinVar variation 1436538 (VCV001436538.3), dbSNP rs371631385, ClinGen allele CA3318276.